The following is an entry in ClinVar:

NM_144736.5(NDUFAF7):c.1240C>A (p.Gln414Lys)

Gene: NDUFAF7 (NADH:ubiquinone oxidoreductase complex assembly factor 7; plus strand). Cytogenetic location: 2p22.2.
Variant type: single nucleotide variant.
Coding change: c.1240C>A on transcript NM_144736.5 (MANE Select); coding-DNA position 1240, C replaced by A.
Protein change: p.Gln414Lys; replaces glutamine 414 with lysine.
Molecular consequence: missense variant. On other transcripts: non-coding transcript variant (10).
Genome position (GRCh38, 1-based): chr2:37,248,264, C>A. VCF-style: chr2-37248264-C-A. GRCh37 (hg19) VCF-style: chr2-37475407-C-A.
Other names: c.946C>A, p.Gln316Lys (NM_001083946.2); c.1117C>A, p.Gln373Lys (NM_001350024.2); c.1036C>A, p.Gln346Lys (NM_001350025.2); c.1027C>A, p.Gln343Lys (NM_001350027.2); short protein forms Q316K, Q343K, Q346K, Q373K, Q414K.
Identifiers: ClinVar variation 3626674 (VCV003626674.2).

ClinVar aggregate classification (germline): Uncertain significance (1 of 4 stars; one submission).

gnomAD v4.1: 10 of 1,613,928 alleles (0.00062%); highest among the groups gnomAD compares: African/African-American, 0.012%; no homozygotes.

Submission:

Labcorp Genetics (formerly Invitae), Labcorp
Classification: Uncertain significance. Last evaluated: 2025-02-03. Review status: criteria provided, single submitter. Criteria: Invitae Variant Classification Sherloc (09022015). Collection method: clinical testing. Allele origin: germline.
Comment: This sequence change replaces glutamine, which is neutral and polar, with lysine, which is basic and polar, at codon 316 of the NDUFAF7 protein (p.Gln316Lys). This variant is present in population databases (no rsID available, gnomAD 0.01%). This variant has not been reported in the literature in individuals affected with NDUFAF7-related conditions. An algorithm developed to predict the effect of missense changes on protein structure and function (PolyPhen-2) suggests that this variant is likely to be tolerated. In summary, the available evidence is currently insufficient to determine the role of this variant in disease. Therefore, it has been classified as a Variant of Uncertain Significance.